The following is an entry in ClinVar:

ClinVar aggregate classification (germline): Uncertain significance. Review status: criteria provided, multiple submitters, no conflicts (2 of 4 stars). 3 submissions from 3 submitters: Uncertain significance (3). Last evaluated 2024-11-18.

Conditions:
Inborn genetic diseases. Identifiers: MedGen C0950123, MeSH D030342.

Allele frequency attached by ClinVar (database versions not stated): gnomAD exomes 0.00004; ExAC 0.00007; gnomAD 0.00008 and 0.00009; TOPMed 0.00009; ESP Exome Variant Server 0.00023.
gnomAD v4.1: 26 of 1,556,496 alleles (0.0017%); highest among the groups gnomAD compares: African/African-American, 0.021%; no homozygotes.

Submissions (3):

Labcorp Genetics (formerly Invitae), Labcorp
Classification: Uncertain significance. Last evaluated: 2024-11-18. Review status: criteria provided, single submitter. Criteria: Invitae Variant Classification Sherloc (09022015). Collection method: clinical testing. Allele origin: germline.
Comment: This sequence change replaces threonine, which is neutral and polar, with isoleucine, which is neutral and non-polar, at codon 178 of the TRAF3IP1 protein (p.Thr178Ile). This variant is present in population databases (rs145844010, gnomAD 0.04%). This variant has not been reported in the literature in individuals affected with TRAF3IP1-related conditions. ClinVar contains an entry for this variant (Variation ID: 1041043). Invitae Evidence Modeling of protein sequence and biophysical properties (such as structural, functional, and spatial information, amino acid conservation, physicochemical variation, residue mobility, and thermodynamic stability) indicates that this missense variant is not expected to disrupt TRAF3IP1 protein function with a negative predictive value of 80%. In summary, the available evidence is currently insufficient to determine the role of this variant in disease. Therefore, it has been classified as a Variant of Uncertain Significance.

Ambry Genetics
Classification: Uncertain significance for Inborn genetic diseases. Last evaluated: 2023-09-26. Review status: criteria provided, single submitter. Criteria: Ambry Variant Classification Scheme 2023. Collection method: clinical testing. Allele origin: germline.

Blueprint Genetics
Classification: Uncertain significance. Last evaluated: 2020-01-24. Review status: criteria provided, single submitter. Criteria: ACMG Guidelines, 2015. Collection method: clinical testing. Allele origin: germline.

NM_015650.4(IFT54):c.533C>T (p.Thr178Ile)

Gene: IFT54 (intraflagellar transport 54; plus strand). Cytogenetic location: 2q37.3.
Variant type: single nucleotide variant.
Coding change: c.533C>T on transcript NM_015650.4 (MANE Select); coding-DNA position 533, C replaced by T.
Protein change: p.Thr178Ile; replaces threonine 178 with isoleucine.
Molecular consequence: missense variant.
Genome position (GRCh38, 1-based): chr2:238,328,960, C>T. VCF-style: chr2-238328960-C-T. GRCh37 (hg19) VCF-style: chr2-239237601-C-T.
Other names: c.533C>T, p.Thr178Ile (NM_001139490.1); c.533C>T (NM_015650.3); short protein forms T178I.
Identifiers: ClinVar variation 1041043 (VCV001041043.11), dbSNP rs145844010, ClinGen allele CA2198095.
Genomic context (GRCh38, chr2:238,328,960, plus strand): 5'-TAAATGATTTTATTTTTATTTCGTAGGATAGAGGAGACGCTGAAATAAAAGAGAGAAGTA[C>T]AAGCAGAGATCGAAAACAGAAGGAAGAATTGAAAGAAGACCGCAAGCCAAGAGAAAAGGA-3'
Protein context (NP_056465.2, residues 168-188): RGDAEIKERS[Thr178Ile]SRDRKQKEEL